The following is an entry in ClinVar:

ClinVar aggregate classification (germline): Likely benign (1 of 4 stars; one submission).

Conditions:
X-linked progressive cerebellar ataxia. Also called: OLIVOPONTOCEREBELLAR ATROPHY, X-LINKED; OPCA, X-LINKED; Spinocerebellar ataxia, X-linked 1. Identifiers: Orphanet 1175, MedGen C0796205, MONDO:0010547, OMIM 302500.

Submission:

Centre for Medical Genetics,  Mumbai
Classification: Likely benign for X-linked progressive cerebellar ataxia. Last evaluated: 2026-04-27. Review status: criteria provided, single submitter. Criteria: ACMG Guidelines, 2015. Collection method: provider interpretation. Allele origin: germline. Inheritance: X-linked recessive inheritance. Affected: no. Observed: 1 variant allele, 1 homozygote.
Comment: The variant satisfies PM2 criteria - extremely low frequency in gnomAD population databases. The variant satisfies BP4 criteria - for a missense or a splice region variant, computational prediction tools unanimously support a benign effect on the gene. However, the variant satisfies BS2 criteria - present in homozygous state in an individual that clinically does not have spinocerebellar ataxia.

Literature cited by the submitters: PubMed 10797423.

NM_001001344.3(ATP2B3):c.1824-9C>A

Gene: ATP2B3 (ATPase plasma membrane Ca2+ transporting 3; plus strand). Cytogenetic location: Xq28.
Variant type: single nucleotide variant.
Coding change: c.1824-9C>A on transcript NM_001001344.3 (MANE Select); 9 bases into the intron before coding-DNA position 1824, C replaced by A.
Molecular consequence: intron variant.
Genome position (GRCh38, 1-based): chrX:153,553,026, C>A. VCF-style: chrX-153553026-C-A. GRCh37 (hg19) VCF-style: chrX-152818484-C-A.
Other names: c.1824-9C>A (NM_021949.4, NM_001388360.1, NM_001388361.1 and 1 more transcripts); c.1782-9C>A (NM_001410708.1).
Identifiers: ClinVar variation 4852271 (VCV004852271.1).